The following is an entry in ClinVar:

NM_000222.3(KIT):c.2857C>G (p.His953Asp)

Gene: KIT (KIT proto-oncogene, receptor tyrosine kinase; plus strand). Cytogenetic location: 4q12.
Variant type: single nucleotide variant.
Coding change: c.2857C>G on transcript NM_000222.3 (MANE Select); coding-DNA position 2857, C replaced by G.
Protein change: p.His953Asp; replaces histidine 953 with aspartic acid.
Molecular consequence: missense variant.
Genome position (GRCh38, 1-based): chr4:54,738,483, C>G. VCF-style: chr4-54738483-C-G. GRCh37 (hg19) VCF-style: chr4-55604649-C-G.
Other names: c.2845C>G, p.His949Asp (NM_001093772.2, NM_001385292.1); c.2860C>G, p.His954Asp (NM_001385284.1); c.2854C>G, p.His952Asp (NM_001385285.1); c.2842C>G, p.His948Asp (NM_001385286.1); c.2848C>G, p.His950Asp (NM_001385288.1); c.2857C>G, p.His953Asp (NM_001385290.1); short protein forms H948D, H949D, H950D, H952D, H953D, H954D.
Identifiers: ClinVar variation 3230676 (VCV003230676.1), dbSNP rs2109818755, ClinGen allele CA356916167.

ClinVar aggregate classification (germline): Uncertain significance (1 of 4 stars; one submission).

Conditions:
Hereditary cancer-predisposing syndrome. Also called: Neoplastic Syndromes, Hereditary; Tumor predisposition; Hereditary neoplastic syndrome; Hereditary Cancer Syndrome. Identifiers: Orphanet 140162, MedGen C0027672, MeSH D009386, MONDO:0015356.

Allele frequency attached by ClinVar (database versions not stated): gnomAD exomes below 0.00001.
gnomAD v4.1: 2 of 1,614,056 alleles (0.00012%); highest among the groups gnomAD compares: Non-Finnish European, 0.00017%; no homozygotes.

Submission:

Ambry Genetics
Classification: Uncertain significance for Hereditary cancer-predisposing syndrome. Last evaluated: 2023-02-09. Review status: criteria provided, single submitter. Criteria: Ambry Variant Classification Scheme 2023. Collection method: clinical testing. Allele origin: germline.
Comment: The p.H953D variant (also known as c.2857C>G), located in coding exon 21 of the KIT gene, results from a C to G substitution at nucleotide position 2857. The histidine at codon 953 is replaced by aspartic acid, an amino acid with similar properties. This amino acid position is conserved. In addition, the in silico prediction for this alteration is inconclusive. Since supporting evidence is limited at this time, the clinical significance of this alteration remains unclear.